The following is an entry in ClinVar:

ClinVar aggregate classification (germline): Uncertain significance. Review status: criteria provided, multiple submitters, no conflicts (2 of 4 stars). 2 submissions from 2 submitters: Uncertain significance (2). Last evaluated 2026-01-26.

Conditions:
Cardiovascular phenotype. Identifiers: MedGen CN230736.

gnomAD v4.1: 3 of 1,547,584 alleles (0.00019%); highest among the groups gnomAD compares: Non-Finnish European, 0.00026%; no homozygotes.

Submissions (2):

Women's Health and Genetics/Laboratory Corporation of America, LabCorp
Classification: Uncertain significance. Last evaluated: 2026-01-26. Review status: criteria provided, single submitter. Criteria: LabCorp Variant Classification Summary - May 2015. Collection method: clinical testing. Allele origin: germline.
Comment: Variant summary: ZNF469 c.2363C>T (p.Ala788Val) results in a non-conservative amino acid change in the encoded protein sequence. Algorithms developed to predict the effect of missense changes on protein structure and function are either unavailable or do not agree on the potential impact of this missense change. The frequency data for this variant in gnomAD is considered unreliable, as metrics indicate poor data quality at this position. To our knowledge, no occurrence of c.2363C>T in individuals affected with ZNF469-related conditions and no experimental evidence demonstrating its impact on protein function have been reported. ClinVar contains an entry for this variant (Variation ID: 3476223). Based on the evidence outlined above, the variant was classified as uncertain significance.

Ambry Genetics
Classification: Uncertain significance for Cardiovascular phenotype. Last evaluated: 2024-09-25. Review status: criteria provided, single submitter. Criteria: Ambry Variant Classification Scheme 2023. Collection method: clinical testing. Allele origin: germline.
Comment: The p.A788V variant (also known as c.2363C>T), located in coding exon 1 of the ZNF469 gene, results from a C to T substitution at nucleotide position 2363. The alanine at codon 788 is replaced by valine, an amino acid with similar properties. This amino acid position is conserved. In addition, this alteration is predicted to be tolerated by in silico analysis. Based on the available evidence, the clinical significance of this variant remains unclear.

NM_001367624.2(ZNF469):c.2363C>T (p.Ala788Val)

Gene: ZNF469 (zinc finger protein 469; plus strand). Cytogenetic location: 16q24.2.
Variant type: single nucleotide variant.
Coding change: c.2363C>T on transcript NM_001367624.2 (MANE Select); coding-DNA position 2363, C replaced by T.
Protein change: p.Ala788Val; replaces alanine 788 with valine.
Molecular consequence: missense variant.
Genome position (GRCh38, 1-based): chr16:88,429,833, C>T. VCF-style: chr16-88429833-C-T. GRCh37 (hg19) VCF-style: chr16-88496241-C-T.
Other names: NM_001127464.1:c.2363C>T; short protein forms A788V.
Identifiers: ClinVar variation 3476223 (VCV003476223.2).
Genomic context (GRCh38, chr16:88,429,833, plus strand): 5'-CAGGCCCCCCTGGGCTCCCCTCGCCCCCCGCTGCCCCCAGAGTCCCTGCCGACGCACACG[C>T]GGGCTTGCTCAGCCACGCGAAGACCTTCCTGTTAGCTGGGGACGCCCAGGCCGAGGGCAA-3'
Protein context (NP_001354553.1, residues 778-798): AAPRVPADAH[Ala788Val]GLLSHAKTFL